The following is an entry in ClinVar:

NM_020297.4(ABCC9):c.1802+5G>T

Gene: ABCC9 (ATP binding cassette subfamily C member 9; minus strand). Cytogenetic location: 12p12.1.
Variant type: single nucleotide variant.
Coding change: c.1802+5G>T on transcript NM_020297.4 (MANE Select); 5 bases into the intron after coding-DNA position 1802, G replaced by T.
Molecular consequence: intron variant.
Genome position (GRCh38, 1-based): chr12:21,894,027, C>A on the plus strand (G>T on the coding strand, the complement: ABCC9 is on the minus strand). VCF-style: chr12-21894027-C-A. GRCh37 (hg19) VCF-style: chr12-22046961-C-A.
Other names: c.938+5G>T (NM_001377274.1); c.1802+5G>T (NM_005691.4, NM_001377273.1).
Identifiers: ClinVar variation 3681414 (VCV003681414.2).

ClinVar aggregate classification (germline): Uncertain significance (1 of 4 stars; one submission).

Conditions:
Dilated cardiomyopathy 1O (CMD1O). Also called: CARDIOMYOPATHY, DILATED, WITH VENTRICULAR TACHYCARDIA. Identifiers: Orphanet 154, MedGen C1837839, MONDO:0012062, OMIM 608569.

gnomAD v4.1: 4 of 1,613,744 alleles (0.00025%); highest among the groups gnomAD compares: Non-Finnish European, 0.00034%; no homozygotes.

Submission:

Labcorp Genetics (formerly Invitae), Labcorp
Classification: Uncertain significance for Dilated cardiomyopathy 1O. Last evaluated: 2025-01-16. Review status: criteria provided, single submitter. Criteria: Invitae Variant Classification Sherloc (09022015). Collection method: clinical testing. Allele origin: germline.
Comment: This sequence change falls in intron 12 of the ABCC9 gene. It does not directly change the encoded amino acid sequence of the ABCC9 protein. It affects a nucleotide within the consensus splice site. This variant is not present in population databases (gnomAD no frequency). This variant has not been reported in the literature in individuals affected with ABCC9-related conditions. Variants that disrupt the consensus splice site are a relatively common cause of aberrant splicing (PMID: 17576681, 9536098). Algorithms developed to predict the effect of sequence changes on RNA splicing suggest that this variant is not likely to affect RNA splicing. In summary, the available evidence is currently insufficient to determine the role of this variant in disease. Therefore, it has been classified as a Variant of Uncertain Significance.

Literature cited by the submitters: PubMed 17576681; PubMed 9536098.